The following is an entry in ClinVar:

ClinVar aggregate classification (germline): Benign/Likely benign. Review status: criteria provided, multiple submitters, no conflicts (2 of 4 stars). 4 submissions from 4 submitters: Benign (2); Likely benign (1). 1 of the submissions does not count toward it. Last evaluated 2024-11-27.

Conditions:
FDFT1-related disorder. Also called: FDFT1-related condition.
Squalene synthase deficiency. Also called: NEURODEVELOPMENTAL DISORDER WITH LOW CHOLESTEROL AND ABNORMAL URINE ORGANIC ACIDS. Identifiers: MedGen C4748427, MONDO:0032566, OMIM 618156.

Allele frequency attached by ClinVar (database versions not stated): 1000 Genomes Project 0.03914; 1000 Genomes Project 30x 0.04013; TOPMed 0.05551; gnomAD 0.06111 and 0.06240; ESP Exome Variant Server 0.06589; gnomAD exomes 0.06681 and 0.07715; ExAC 0.06798.
gnomAD v4.1: 122,178 of 1,613,782 alleles (7.6%); highest among the groups gnomAD compares: Non-Finnish European, 8.2%; 5,176 homozygotes.

Submissions (22):

Blueprint Genetics
Classification: Likely benign. Last evaluated: 2024-11-27. Review status: criteria provided, single submitter. Criteria: ACMG Guidelines, 2015. Collection method: clinical testing. Allele origin: germline.

Genome-Nilou Lab
Classification: Benign for Squalene synthase deficiency. Last evaluated: 2021-08-10. Review status: criteria provided, single submitter. Criteria: ACMG Guidelines, 2015. Collection method: clinical testing. Allele origin: germline. Affected: no.

Breakthrough Genomics
Classification: Benign. Review status: criteria provided, single submitter. Criteria: ACMG Guidelines, 2015. Collection method: not provided. Allele origin: germline. Inheritance: Autosomal recessive inheritance. Affected: yes.

PreventionGenetics, part of Exact Sciences
Classification: Benign for FDFT1-related condition. Last evaluated: 2019-09-05. Review status: no assertion criteria provided. Collection method: clinical testing. Allele origin: germline. Not counted in ClinVar's aggregate classification.
Comment: This variant is classified as benign based on ACMG/AMP sequence variant interpretation guidelines (Richards et al. 2015 PMID: 25741868, with internal and published modifications).

Dr. Peter K. Rogan Lab, Western University
No classification provided (evidence only). Condition: Colorectal cancer. Review status: no classification provided. Collection method: in vitro. Allele origin: not applicable. Functional consequence: skipped exon. Not counted in ClinVar's aggregate classification.

Dr. Peter K. Rogan Lab, Western University
No classification provided (evidence only). Condition: Colorectal cancer. Review status: no classification provided. Collection method: in vitro. Allele origin: not applicable. Functional consequence: skipped exon. Not counted in ClinVar's aggregate classification.

Dr. Peter K. Rogan Lab, Western University
No classification provided (evidence only). Condition: Colorectal cancer. Review status: no classification provided. Collection method: in vitro. Allele origin: not applicable. Functional consequence: skipped exon, retained intron. Not counted in ClinVar's aggregate classification.

Dr. Peter K. Rogan Lab, Western University
No classification provided (evidence only). Condition: Colorectal cancer. Review status: no classification provided. Collection method: in vitro. Allele origin: not applicable. Functional consequence: retained intron. Not counted in ClinVar's aggregate classification.

Dr. Peter K. Rogan Lab, Western University
No classification provided (evidence only). Condition: Uterine corpus endometrial carcinoma. Review status: no classification provided. Collection method: in vitro. Allele origin: not applicable. Functional consequence: skipped exon, retained intron. Not counted in ClinVar's aggregate classification.

Dr. Peter K. Rogan Lab, Western University
No classification provided (evidence only). Condition: Uterine corpus endometrial carcinoma. Review status: no classification provided. Collection method: in vitro. Allele origin: not applicable. Functional consequence: skipped exon. Not counted in ClinVar's aggregate classification.

Dr. Peter K. Rogan Lab, Western University
No classification provided (evidence only). Condition: Uterine corpus endometrial carcinoma. Review status: no classification provided. Collection method: in vitro. Allele origin: not applicable. Functional consequence: skipped exon. Not counted in ClinVar's aggregate classification.

Dr. Peter K. Rogan Lab, Western University
No classification provided (evidence only). Condition: Uterine corpus endometrial carcinoma. Review status: no classification provided. Collection method: in vitro. Allele origin: not applicable. Functional consequence: skipped exon. Not counted in ClinVar's aggregate classification.

Dr. Peter K. Rogan Lab, Western University
No classification provided (evidence only). Condition: Uterine corpus endometrial carcinoma. Review status: no classification provided. Collection method: in vitro. Allele origin: not applicable. Functional consequence: skipped exon. Not counted in ClinVar's aggregate classification.

Dr. Peter K. Rogan Lab, Western University
No classification provided (evidence only). Condition: Uterine corpus endometrial carcinoma. Review status: no classification provided. Collection method: in vitro. Allele origin: not applicable. Functional consequence: skipped exon. Not counted in ClinVar's aggregate classification.

Dr. Peter K. Rogan Lab, Western University
No classification provided (evidence only). Condition: Thymoma. Review status: no classification provided. Collection method: in vitro. Allele origin: not applicable. Functional consequence: retained intron. Not counted in ClinVar's aggregate classification.

Dr. Peter K. Rogan Lab, Western University
No classification provided (evidence only). Condition: Thymoma. Review status: no classification provided. Collection method: in vitro. Allele origin: not applicable. Functional consequence: skipped exon, retained intron. Not counted in ClinVar's aggregate classification.

Dr. Peter K. Rogan Lab, Western University
No classification provided (evidence only). Condition: Cholangiocarcinoma. Review status: no classification provided. Collection method: in vitro. Allele origin: not applicable. Functional consequence: skipped exon. Not counted in ClinVar's aggregate classification.

Dr. Peter K. Rogan Lab, Western University
No classification provided (evidence only). Condition: Adrenocortical carcinoma, hereditary. Review status: no classification provided. Collection method: in vitro. Allele origin: not applicable. Functional consequence: retained intron. Not counted in ClinVar's aggregate classification.

Dr. Peter K. Rogan Lab, Western University
No classification provided (evidence only). Condition: Adrenocortical carcinoma, hereditary. Review status: no classification provided. Collection method: in vitro. Allele origin: not applicable. Functional consequence: skipped exon, retained intron. Not counted in ClinVar's aggregate classification.

Dr. Peter K. Rogan Lab, Western University
No classification provided (evidence only). Condition: Adrenocortical carcinoma, hereditary. Review status: no classification provided. Collection method: in vitro. Allele origin: not applicable. Functional consequence: skipped exon, retained intron. Not counted in ClinVar's aggregate classification.

Dr. Peter K. Rogan Lab, Western University
No classification provided (evidence only). Condition: Adrenocortical carcinoma, hereditary. Review status: no classification provided. Collection method: in vitro. Allele origin: not applicable. Functional consequence: skipped exon. Not counted in ClinVar's aggregate classification.

Dr. Peter K. Rogan Lab, Western University
No classification provided (evidence only). Condition: Uveal melanoma. Review status: no classification provided. Collection method: in vitro. Allele origin: not applicable. Functional consequence: retained intron. Not counted in ClinVar's aggregate classification.

NM_004462.5(FDFT1):c.134A>G (p.Lys45Arg)

Gene: FDFT1 (farnesyl-diphosphate farnesyltransferase 1). Cytogenetic location: 8p23.1.
Variant type: single nucleotide variant.
Coding change: c.134A>G on transcript NM_004462.5 (MANE Select); coding-DNA position 134, A replaced by G.
Protein change: p.Lys45Arg; replaces lysine 45 with arginine.
Molecular consequence: missense variant. On other transcripts: 5 prime UTR variant (3), intron variant (1).
Genome position (GRCh38, 1-based): chr8:11,808,828, A>G. VCF-style: chr8-11808828-A-G. GRCh37 (hg19) VCF-style: chr8-11666337-A-G.
Other names: NC_000008.10:g.11666337A>G; c.134A>G, p.Lys45Arg (NM_001287743.2, NM_001287742.2); c.-59A>G (NM_001287744.2, NM_001287745.2, NM_001287747.2 and 2 more transcripts); c.311A>G, p.Lys104Arg (NM_001287750.2); c.64+5918A>G (NM_001287756.2); c.311A>G (NM_001287750.1); short protein forms K104R, K45R.
Identifiers: ClinVar variation 1285264 (VCV001285264.7), dbSNP rs4731, ClinGen allele CA4631627.